The following is an entry in ClinVar:

NM_005902.4(SMAD3):c.658+5G>A

Gene: SMAD3 (SMAD family member 3; plus strand). Cytogenetic location: 15q22.33.
Variant type: single nucleotide variant.
Coding change: c.658+5G>A on transcript NM_005902.4 (MANE Select); 5 bases into the intron after coding-DNA position 658, G replaced by A.
Molecular consequence: intron variant.
Genome position (GRCh38, 1-based): chr15:67,170,609, G>A. VCF-style: chr15-67170609-G-A. GRCh37 (hg19) VCF-style: chr15-67462947-G-A.
Other names: c.343+5G>A (NM_001145102.2); c.526+5G>A (NM_001145103.2); c.73+5G>A (NM_001145104.2).
Identifiers: ClinVar variation 922192 (VCV000922192.3), dbSNP rs1962723153, ClinGen allele CA913188677.

ClinVar aggregate classification (germline): Uncertain significance (1 of 4 stars; one submission).

Conditions:
Familial thoracic aortic aneurysm and aortic dissection (TAAD). Also called: Thoracic aortic aneurysms and dissections. Identifiers: Orphanet 91387, MedGen C4707243, MONDO:0019625.

Submission:

Color Diagnostics, LLC DBA Color Health
Classification: Uncertain significance for Familial thoracic aortic aneurysm and aortic dissection. Last evaluated: 2018-12-31. Review status: criteria provided, single submitter. Criteria: ACMG Guidelines, 2015. Collection method: clinical testing. Allele origin: germline.
Comment: Variant of Uncertain Significance due to insufficient evidence: This intronic variant changes a single nucleotide near intron 5 canonical splice donor site of the SMAD3 gene. Computational splicing tools suggest that this variant may disrupt RNA splicing. To our knowledge, RNA assays have not been performed to investigate this prediction. This variant has not been reported in individuals affected with cardiovascular disorders in the literature. This variant is rare in the general population and has been identified in 0/277264 chromosomes by the Genome Aggregation Database (gnomAD). Available evidence is insufficient to determine the role of this variant in disease conclusively.